The following is an entry in ClinVar:

ClinVar aggregate classification (germline): Likely pathogenic. Review status: criteria provided, multiple submitters, no conflicts (2 of 4 stars). 2 submissions from 2 submitters: Likely pathogenic (2). Last evaluated 2024-12-27.

Conditions:
INVS-related disorder. Also called: INVS-related condition.
Infantile nephronophthisis (NPHP2). Also called: Nephronophthisis 2, infantile; Nephronophthisis 2. Identifiers: Orphanet 655, Orphanet 93591, MedGen C1865872, MONDO:0011190, OMIM 602088.

Allele frequency attached by ClinVar (database versions not stated): TOPMed below 0.00001; ExAC 0.00001; gnomAD 0.00001; gnomAD exomes 0.00001; ESP Exome Variant Server 0.00008.

Submissions (2):

PreventionGenetics, part of Exact Sciences
Classification: Likely pathogenic for INVS-related condition. Last evaluated: 2024-12-27. Review status: criteria provided, single submitter. Criteria: ACMG Guidelines, 2015. Collection method: clinical testing. Allele origin: germline.
Comment: The INVS c.1219C>T variant is predicted to result in premature protein termination (p.Gln407*). To our knowledge, this variant has not been reported in the literature. This variant is reported in 0.00088% of alleles in individuals of European (Non-Finnish) descent in gnomAD. Nonsense variants in INVS are expected to be pathogenic. This variant is interpreted as likely pathogenic.

Fulgent Genetics
Classification: Likely pathogenic for Infantile nephronophthisis. Last evaluated: 2024-02-08. Review status: criteria provided, single submitter. Criteria: ACMG Guidelines, 2015. Collection method: clinical testing. Allele origin: germline.

NM_014425.5(INVS):c.1219C>T (p.Gln407Ter)

Gene: INVS (inversin; plus strand). Cytogenetic location: 9q31.1.
Variant type: single nucleotide variant.
Coding change: c.1219C>T on transcript NM_014425.5 (MANE Select); coding-DNA position 1219, C replaced by T.
Protein change: p.Gln407Ter; replaces glutamine 407 with a stop codon.
Molecular consequence: nonsense. On other transcripts: non-coding transcript variant (1).
Genome position (GRCh38, 1-based): chr9:100,252,423, C>T. VCF-style: chr9-100252423-C-T. GRCh37 (hg19) VCF-style: chr9-103014705-C-T.
Other names: c.931C>T, p.Gln311Ter (NM_001318381.2); c.241C>T, p.Gln81Ter (NM_001318382.2); short protein forms Q311*, Q407*, Q81*.
Identifiers: ClinVar variation 2633453 (VCV002633453.3), dbSNP rs368746630, ClinGen allele CA5158347.
Genomic context (GRCh38, chr9:100,252,423, plus strand): 5'-GATGTTATGAAACATACTCCACTTTTCCGAGCCTGTGAGATGGGACACAAAGATGTGATT[C>T]AGACACTCATTAAAGGTGGGCTAATAAGAGTACTCCTAATAAGTCTCTCTTAACAGGTAG-3'